The following is an entry in ClinVar:

ClinVar aggregate classification (germline): Uncertain significance (1 of 4 stars; one submission).

Allele frequency attached by ClinVar (database versions not stated): gnomAD exomes below 0.00001.
gnomAD v4.1: 1 of 1,613,424 alleles (0.000062%); highest among the groups gnomAD compares: Admixed American, 0.0017%; no homozygotes.

Submission:

Labcorp Genetics (formerly Invitae), Labcorp
Classification: Uncertain significance. Last evaluated: 2023-09-05. Review status: criteria provided, single submitter. Criteria: Invitae Variant Classification Sherloc (09022015). Collection method: clinical testing. Allele origin: germline.
Comment: This sequence change replaces glycine, which is neutral and non-polar, with arginine, which is basic and polar, at codon 1174 of the NLRP1 protein (p.Gly1174Arg). This variant also falls at the last nucleotide of exon 12, which is part of the consensus splice site for this exon. This variant is present in population databases (no rsID available, gnomAD 0.003%). This variant has not been reported in the literature in individuals affected with NLRP1-related conditions. An algorithm developed to predict the effect of missense changes on protein structure and function (PolyPhen-2) suggests that this variant is likely to be disruptive. Variants that disrupt the consensus splice site are a relatively common cause of aberrant splicing (PMID: 17576681, 9536098). Algorithms developed to predict the effect of sequence changes on RNA splicing suggest that this variant may disrupt the consensus splice site. In summary, the available evidence is currently insufficient to determine the role of this variant in disease. Therefore, it has been classified as a Variant of Uncertain Significance.

Literature cited by the submitters: PubMed 17576681; PubMed 9536098.

NM_033004.4(NLRP1):c.3520G>A (p.Gly1174Arg)

Gene: NLRP1 (NLR family pyrin domain containing 1; minus strand). Cytogenetic location: 17p13.2.
Variant type: single nucleotide variant.
Coding change: c.3520G>A on transcript NM_033004.4 (MANE Select); coding-DNA position 3520, G replaced by A.
Protein change: p.Gly1174Arg; replaces glycine 1174 with arginine.
Molecular consequence: missense variant.
Genome position (GRCh38, 1-based): chr17:5,530,481, C>T on the plus strand (G>A on the coding strand, the complement: NLRP1 is on the minus strand). VCF-style: chr17-5530481-C-T. GRCh37 (hg19) VCF-style: chr17-5433801-C-T.
Other names: c.3532G>A, p.Gly1178Arg (NM_001033053.3); c.3520G>A, p.Gly1174Arg (NM_014922.5); c.3430G>A, p.Gly1144Arg (NM_033006.4, NM_033007.4); short protein forms G1174R, G1178R, G1144R.
Identifiers: ClinVar variation 2992737 (VCV002992737.3), dbSNP rs1458584477, ClinGen allele CA397390338.